The following is an entry in ClinVar:

ClinVar aggregate classification (germline): Uncertain significance (1 of 4 stars; one submission).

Submission:

Women's Health and Genetics/Laboratory Corporation of America, LabCorp
Classification: Uncertain significance. Last evaluated: 2025-12-26. Review status: criteria provided, single submitter. Criteria: LabCorp Variant Classification Summary - May 2015. Collection method: clinical testing. Allele origin: germline.
Comment: Variant summary: COL1A2 c.2188-7C>A alters a nucleotide located at a position not widely known to affect splicing. Several computational tools predict a significant impact on normal splicing: Three predict the variant weakens a 3' acceptor site. One predict the variant no significant impact on splicing. However, these predictions have yet to be confirmed by functional studies. The variant was absent in 251210 control chromosomes. The available data on variant occurrences in the general population are insufficient to allow any conclusion about variant significance. To our knowledge, no occurrence of c.2188-7C>A in individuals affected with COL1A2-related conditions and no experimental evidence demonstrating its impact on protein function have been reported. No submitters have cited clinical-significance assessments for this variant to ClinVar. Based on the evidence outlined above, the variant was classified as uncertain significance.

NM_000089.4(COL1A2):c.2188-7C>A

Gene: COL1A2 (collagen type I alpha 2 chain; plus strand). Cytogenetic location: 7q21.3.
Variant type: single nucleotide variant.
Coding change: c.2188-7C>A on transcript NM_000089.4 (MANE Select); 7 bases into the intron before coding-DNA position 2188, C replaced by A.
Molecular consequence: intron variant.
Genome position (GRCh38, 1-based): chr7:94,420,534, C>A. VCF-style: chr7-94420534-C-A. GRCh37 (hg19) VCF-style: chr7-94049846-C-A.
Identifiers: ClinVar variation 4688782 (VCV004688782.1).